The following is an entry in ClinVar:

ClinVar aggregate classification (germline): Pathogenic (1 of 4 stars; one submission).

Submission:

Labcorp Genetics (formerly Invitae), Labcorp
Classification: Pathogenic. Last evaluated: 2024-02-19. Review status: criteria provided, single submitter. Criteria: Invitae Variant Classification Sherloc (09022015). Collection method: clinical testing. Allele origin: germline.
Comment: This sequence change creates a premature translational stop signal (p.Glu882*) in the LAMB3 gene. It is expected to result in an absent or disrupted protein product. Loss-of-function variants in LAMB3 are known to be pathogenic (PMID: 11023379, 16473856). This variant is not present in population databases (gnomAD no frequency). This variant has not been reported in the literature in individuals affected with LAMB3-related conditions. Algorithms developed to predict the effect of sequence changes on RNA splicing suggest that this variant may disrupt the consensus splice site. For these reasons, this variant has been classified as Pathogenic.

Literature cited by the submitters: PubMed 11023379; PubMed 16473856.

NM_000228.3(LAMB3):c.2644G>T (p.Glu882Ter)

Gene: LAMB3 (laminin subunit beta 3; minus strand). Cytogenetic location: 1q32.2.
Variant type: single nucleotide variant.
Coding change: c.2644G>T on transcript NM_000228.3 (MANE Select); coding-DNA position 2644, G replaced by T.
Protein change: p.Glu882Ter; replaces glutamic acid 882 with a stop codon.
Molecular consequence: nonsense.
Genome position (GRCh38, 1-based): chr1:209,622,593, C>A on the plus strand (G>T on the coding strand, the complement: LAMB3 is on the minus strand). VCF-style: chr1-209622593-C-A. GRCh37 (hg19) VCF-style: chr1-209795938-C-A.
Other names: c.2644G>T, p.Glu882Ter (NM_001017402.2, NM_001127641.1); short protein forms E882*.
Identifiers: ClinVar variation 3699813 (VCV003699813.2).